The following is an entry in ClinVar:

ClinVar aggregate classification (germline): Pathogenic/Likely pathogenic. Review status: criteria provided, multiple submitters, no conflicts (2 of 4 stars). 3 submissions from 3 submitters: Pathogenic (2); Likely pathogenic (1). Last evaluated 2024-10-26.

Conditions:
Familial cancer of breast. Also called: BREAST CANCER, FAMILIAL; hereditary breast carcinoma; Hereditary breast cancer. Identifiers: Orphanet 227535, MedGen C0346153, MONDO:0016419, OMIM 114480. Disease mechanism: loss of function.
Fanconi anemia complementation group J. Also called: BRIP1-Related Fanconi Anemia. Identifiers: Orphanet 84, MedGen C1836860, MONDO:0012187, OMIM 609054.

Submissions (3):

Labcorp Genetics (formerly Invitae), Labcorp
Classification: Pathogenic for Familial cancer of breast; Fanconi anemia complementation group J. Last evaluated: 2024-10-26. Review status: criteria provided, single submitter. Criteria: Invitae Variant Classification Sherloc (09022015). Collection method: clinical testing. Allele origin: germline.
Comment: This sequence change creates a premature translational stop signal (p.Glu702Lysfs*3) in the BRIP1 gene. It is expected to result in an absent or disrupted protein product. Loss-of-function variants in BRIP1 are known to be pathogenic (PMID: 16116423, 17033622, 21964575). This variant is not present in population databases (gnomAD no frequency). This variant has not been reported in the literature in individuals affected with BRIP1-related conditions. ClinVar contains an entry for this variant (Variation ID: 1397377). For these reasons, this variant has been classified as Pathogenic.

Myriad Genetics, Inc.
Classification: Pathogenic for Familial cancer of breast. Last evaluated: 2023-11-06. Review status: criteria provided, single submitter. Criteria: Myriad Autosomal Dominant, Autosomal Recessive and X-Linked Classification Criteria (2023). Collection method: clinical testing. Allele origin: unknown.
Comment: This variant is considered pathogenic. This variant creates a frameshift predicted to result in premature protein truncation.

Baylor Genetics
Classification: Likely pathogenic for Familial cancer of breast. Last evaluated: 2022-04-14. Review status: criteria provided, single submitter. Criteria: ACMG Guidelines, 2015. Collection method: clinical testing. Allele origin: unknown.

Literature cited by the submitters: PubMed 16116423 (cited by Labcorp Genetics (formerly Invitae), Labcorp); PubMed 17033622 (cited by Labcorp Genetics (formerly Invitae), Labcorp); PubMed 21964575 (cited by Labcorp Genetics (formerly Invitae), Labcorp).

NM_032043.3(BRIP1):c.2103del (p.Glu702fs)

Gene: BRIP1 (BRCA1 interacting DNA helicase 1; minus strand). Cytogenetic location: 17q23.2.
Variant type: Deletion.
Coding change: c.2103del on transcript NM_032043.3 (MANE Select); coding-DNA position 2103, one base deleted (A; older notation c.2103delA).
Protein change: p.Glu702fs; shifts the reading frame from glutamic acid 702.
Molecular consequence: frameshift variant.
Genome position (GRCh38, 1-based): chr17:61,744,586, T deleted on the plus strand (A on the coding strand, the reverse complement: BRIP1 is on the minus strand). VCF-style (leftmost placement, unchanged base first): chr17-61744585-CT-C. GRCh37 (hg19) VCF-style: chr17-59821946-CT-C.
Other names: short protein forms E702fs.
Identifiers: ClinVar variation 1397377 (VCV001397377.8), dbSNP rs2144701568, ClinGen allele CA2573154299.